The following is an entry in ClinVar:

NM_020975.6(RET):c.826G>T (p.Val276Phe)

Gene: RET (ret proto-oncogene; plus strand). Cytogenetic location: 10q11.21.
Variant type: single nucleotide variant.
Coding change: c.826G>T on transcript NM_020975.6 (MANE Select); coding-DNA position 826, G replaced by T.
Protein change: p.Val276Phe; replaces valine 276 with phenylalanine.
Molecular consequence: missense variant.
Genome position (GRCh38, 1-based): chr10:43,105,152, G>T. VCF-style: chr10-43105152-G-T. GRCh37 (hg19) VCF-style: chr10-43600600-G-T.
Other names: c.697G>T, p.Val233Phe (NM_001406764.1, NM_001406768.1, NM_001406774.1 and 2 more transcripts); c.826G>T, p.Val276Phe (NM_001406765.1, NM_001406769.1, NM_001406772.1 and 8 more transcripts); c.538G>T, p.Val180Phe (NM_001406766.1, NM_001406767.1, NM_001406770.1); c.64G>T, p.Val22Phe (NM_001355216.2); short protein forms V276F, V22F, V233F, V180F.
Identifiers: ClinVar variation 576885 (VCV000576885.15), dbSNP rs139213499, ClinGen allele CA045019.

ClinVar aggregate classification (germline): Uncertain significance. Review status: criteria provided, multiple submitters, no conflicts (2 of 4 stars). 4 submissions from 4 submitters: Uncertain significance (4). Last evaluated 2025-03-30.

Conditions:
Hereditary cancer-predisposing syndrome. Also called: Tumor predisposition; Hereditary neoplastic syndrome; Hereditary Cancer Syndrome; Neoplastic Syndromes, Hereditary. Identifiers: Orphanet 140162, MedGen C0027672, MeSH D009386, MONDO:0015356.
Multiple endocrine neoplasia, type 2 (MEN2). Identifiers: Orphanet 653, MedGen C4048306, MONDO:0019003. Disease mechanism: gain of function.
Hirschsprung disease, susceptibility to, 1 (HSCR1). Also called: RET-Related Hirschsprung Disease. Identifiers: Orphanet 388, MedGen C3888239, MONDO:0007723, OMIM 142623.

Allele frequency attached by ClinVar (database versions not stated): gnomAD exomes below 0.00001; ExAC 0.00001.
gnomAD v4.1: 1 of 1,612,786 alleles (0.000062%); highest among the groups gnomAD compares: South Asian, 0.0011%; no homozygotes.

Submissions (4):

Labcorp Genetics (formerly Invitae), Labcorp
Classification: Uncertain significance for Multiple endocrine neoplasia, type 2. Last evaluated: 2025-03-30. Review status: criteria provided, single submitter. Criteria: Invitae Variant Classification Sherloc (09022015). Collection method: clinical testing. Allele origin: germline.
Comment: This sequence change replaces valine, which is neutral and non-polar, with phenylalanine, which is neutral and non-polar, at codon 276 of the RET protein (p.Val276Phe). The frequency data for this variant in the population databases is considered unreliable, as metrics indicate poor data quality at this position in the gnomAD database. This variant has not been reported in the literature in individuals affected with RET-related conditions. ClinVar contains an entry for this variant (Variation ID: 576885). An algorithm developed to predict the effect of missense changes on protein structure and function outputs the following: PolyPhen-2: "Benign". The phenylalanine amino acid residue is found in multiple mammalian species, which suggests that this missense change does not adversely affect protein function. In summary, the available evidence is currently insufficient to determine the role of this variant in disease. Therefore, it has been classified as a Variant of Uncertain Significance.

Ambry Genetics
Classification: Uncertain significance for Hereditary cancer-predisposing syndrome. Last evaluated: 2025-02-27. Review status: criteria provided, single submitter. Criteria: Ambry Variant Classification Scheme 2023. Collection method: clinical testing. Allele origin: germline.
Comment: The p.V276F variant (also known as c.826G>T), located in coding exon 4 of the RET gene, results from a G to T substitution at nucleotide position 826. The valine at codon 276 is replaced by phenylalanine, an amino acid with highly similar properties. This amino acid position is not well conserved in available vertebrate species. In addition, this alteration is predicted to be tolerated by in silico analysis. Since supporting evidence is limited at this time, the clinical significance of this alteration remains unclear.

All of Us Research Program, National Institutes of Health
Classification: Uncertain significance for Multiple endocrine neoplasia, type 2. Last evaluated: 2024-05-14. Review status: criteria provided, single submitter. Criteria: ACMG Guidelines, 2015. Collection method: clinical testing. Allele origin: germline. Inheritance: Autosomal dominant inheritance. Observed: 2 variant alleles, 2 heterozygotes.
Comment: This missense variant replaces valine with phenylalanine at codon 276 of the RET protein. Computational prediction suggests that this variant may not impact protein structure and function. To our knowledge, functional studies have not been reported for this variant. This variant has not been reported in individuals affected with RET-related disorders in the literature. This variant has been identified in 1/245744 chromosomes in the general population by the Genome Aggregation Database (gnomAD). The available evidence is insufficient to determine the role of this variant in disease conclusively. Therefore, this variant is classified as a Variant of Uncertain Significance.

This study involves interpretation of variants in research participants for the purpose of population health screening. Participant phenotype was not available at the time of variant classification. Additional details can be found in publication PMID: 35346344, PMCID: PMC8962531

Baylor Genetics
Classification: Uncertain significance for Hirschsprung disease, susceptibility to, 1. Last evaluated: 2023-10-26. Review status: criteria provided, single submitter. Criteria: ACMG Guidelines, 2015. Collection method: clinical testing. Allele origin: unknown.